The following is an entry in ClinVar:

ClinVar aggregate classification (germline): Uncertain significance (1 of 4 stars; one submission).

Conditions:
Glycogen storage disease, type II (IOPD). Also called: Glycogen storage disease type 2; Acid maltase deficiency disease; Aglucosidase alfa; Deficiency of alpha-glucosidase; Deficiency of lysosomal alpha-glucosidase; Pompe Disease. Identifiers: Orphanet 365, MedGen C0017921, MONDO:0009290, OMIM 232300.

Submission:

Labcorp Genetics (formerly Invitae), Labcorp
Classification: Uncertain significance for Glycogen storage disease, type II. Last evaluated: 2022-02-20. Review status: criteria provided, single submitter. Criteria: Invitae Variant Classification Sherloc (09022015). Collection method: clinical testing. Allele origin: germline.
Comment: In summary, the available evidence is currently insufficient to determine the role of this variant in disease. Therefore, it has been classified as a Variant of Uncertain Significance. Experimental studies and prediction algorithms are not available or were not evaluated, and the functional significance of this variant is currently unknown. This variant has not been reported in the literature in individuals affected with GAA-related conditions. Information on the frequency of this variant in the gnomAD database is not available, as this variant may be reported differently in the database. This sequence change replaces valine, which is neutral and non-polar, with methionine, which is neutral and non-polar, at codon 547 of the GAA protein (p.Val547Met).

NM_000152.5(GAA):c.1638_1639delinsCA (p.Val547Met)

Gene: GAA (alpha glucosidase; plus strand). Cytogenetic location: 17q25.3.
Variant type: Indel.
Coding change: c.1638_1639delinsCA on transcript NM_000152.5 (MANE Select); coding-DNA positions 1638 to 1639, GG replaced by CA.
Protein change: p.Val547Met; replaces valine 547 with methionine.
Molecular consequence: missense variant.
Genome position (GRCh38, 1-based): chr17:80,111,984-80,111,985, GG replaced by CA. VCF-style: chr17-80111984-GG-CA. GRCh37 (hg19) VCF-style: chr17-78085783-GG-CA.
Other names: c.1638_1639delinsCA, p.Val547Met (NM_001079803.3, NM_001079804.3); c.1638_1639delGGinsCA, p.Val547Met (NM_001406741.1, NM_001406742.1); short protein forms V547M.
Identifiers: ClinVar variation 2100089 (VCV002100089.4), dbSNP rs2510378342, ClinGen allele CA2580095770.
Genomic context (GRCh38, chr17:80,111,984, plus strand): 5'-GGGCACCTTGGAGCCTGCCGGGAGGAAGCTCCCTGGAAACCAGCCCCCGCCTCTTCCAGG[GG>CA]TGGTTGGGGGGACCCTCCAGGCGGCCACCATCTGTGCCTCCAGCCACCAGTTTCTCTCCA-3'
Protein context (NP_000143.2, residues 537-557): ELENPPYVPG[Val547Met]VGGTLQAATI